The following is an entry in ClinVar:

ClinVar aggregate classification (germline): Uncertain significance (1 of 4 stars; one submission).

Conditions:
Supravalvar aortic stenosis (SVAS). Also called: Supravalvar aortic stenosis, Eisenberg type. Identifiers: Orphanet 3193, MedGen C0003499, MONDO:0008504, OMIM 185500, HP:0004381.

Allele frequency attached by ClinVar (database versions not stated): gnomAD exomes below 0.00001; gnomAD 0.00001; TOPMed 0.00002.
gnomAD v4.1: 7 of 1,586,338 alleles (0.00044%); highest among the groups gnomAD compares: African/African-American, 0.0013%; no homozygotes.

Submission:

Labcorp Genetics (formerly Invitae), Labcorp
Classification: Uncertain significance for Supravalvar aortic stenosis. Last evaluated: 2024-10-16. Review status: criteria provided, single submitter. Criteria: Invitae Variant Classification Sherloc (09022015). Collection method: clinical testing. Allele origin: germline.
Comment: This sequence change falls in intron 26 of the ELN gene. It does not directly change the encoded amino acid sequence of the ELN protein. It affects a nucleotide within the consensus splice site. This variant is not present in population databases (gnomAD no frequency). This variant has not been reported in the literature in individuals affected with ELN-related conditions. Variants that disrupt the consensus splice site are a relatively common cause of aberrant splicing (PMID: 17576681, 9536098). Algorithms developed to predict the effect of sequence changes on RNA splicing suggest that this variant is not likely to affect RNA splicing. In summary, the available evidence is currently insufficient to determine the role of this variant in disease. Therefore, it has been classified as a Variant of Uncertain Significance.

Literature cited by the submitters: PubMed 17576681; PubMed 9536098.

NM_000501.4(ELN):c.1747+104A>G

Genes: ELN-AS1 (ELN antisense RNA 1; minus strand), ELN (elastin; plus strand). Cytogenetic location: 7q11.23.
Variant type: single nucleotide variant.
Coding change: c.1747+104A>G on transcript NM_000501.4 (MANE Select); 104 bases into the intron after coding-DNA position 1747, A replaced by G.
Molecular consequence: intron variant.
Genome position (GRCh38, 1-based): chr7:74,060,605, A>G. VCF-style: chr7-74060605-A-G. GRCh37 (hg19) VCF-style: chr7-73474935-A-G.
Other names: c.1762+104A>G (NM_001081754.3); c.1705+104A>G (NM_001081753.3); c.1933+5A>G (NM_001278939.2); c.1765+104A>G (NM_001278915.2); c.1747+104A>G (NM_001278912.2); c.1690+104A>G (NM_001081755.3); c.1603+104A>G (NM_001278916.2); c.1504+104A>G (NM_001278913.2); and 4 more.
Identifiers: ClinVar variation 2877032 (VCV002877032.3), dbSNP rs1274104400, ClinGen allele CA842066162.